The following is an entry in ClinVar:

ClinVar aggregate classification (germline): Uncertain significance (1 of 4 stars; one submission).

Submission:

GeneDx
Classification: Uncertain significance. Last evaluated: 2024-09-26. Review status: criteria provided, single submitter. Criteria: GeneDx Variant Classification Process June 2021. Collection method: clinical testing. Allele origin: germline. Affected: yes.
Comment: Not observed at significant frequency in large population cohorts (gnomAD); In silico analysis indicates that this missense variant does not alter protein structure/function; Has not been previously published as pathogenic or benign to our knowledge

NM_001386298.1(CIC):c.3664T>A (p.Ser1222Thr)

Gene: CIC (capicua transcriptional repressor; plus strand). Cytogenetic location: 19q13.2.
Variant type: single nucleotide variant.
Coding change: c.3664T>A on transcript NM_001386298.1 (MANE Select); coding-DNA position 3664, T replaced by A.
Protein change: p.Ser1222Thr; replaces serine 1222 with threonine.
Molecular consequence: missense variant.
Genome position (GRCh38, 1-based): chr19:42,288,893, T>A. VCF-style: chr19-42288893-T-A. GRCh37 (hg19) VCF-style: chr19-42793045-T-A.
Other names: c.3664T>A, p.Ser1222Thr (NM_001304815.2, NM_001379480.1, NM_001379482.1); c.937T>A, p.Ser313Thr (NM_001379484.1, NM_001379485.1, NM_015125.5); short protein forms S1222T, S313T.
Identifiers: ClinVar variation 3774982 (VCV003774982.1).
Genomic context (GRCh38, chr19:42,288,893, plus strand): 5'-CTAGGTGCTGGTGACAGGCTTACTGACTGTCATAGCGCCACTCTCTACTTTACAGTGTCC[T>A]CTGAGCTCCTGTCCGTTGCAGCCCAGACACTCCTGAGCTCAGACACCAAGGCTCCGGGGA-3'
Protein context (NP_001373227.1, residues 1212-1232): TGTAAAPGVS[Ser1222Thr]ELLSVAAQTL